The following is an entry in ClinVar:

ClinVar aggregate classification (germline): Benign. Review status: criteria provided, multiple submitters, no conflicts (2 of 4 stars). 2 submissions from 2 submitters: Benign (2). Last evaluated 2018-06-14.

Allele frequency attached by ClinVar (database versions not stated): TOPMed 0.18080; gnomAD 0.18107; 1000 Genomes Project 30x 0.22970; 1000 Genomes Project 0.23882.
gnomAD v4.1: 134,552 of 673,164 alleles (20%); highest among the groups gnomAD compares: East Asian, 34%; 14,855 homozygotes.

Submissions (2):

GeneDx
Classification: Benign. Last evaluated: 2018-06-14. Review status: criteria provided, single submitter. Criteria: GeneDx Variant Classification (06012015). Collection method: clinical testing. Allele origin: germline. Affected: yes.
Comment: This variant is considered likely benign or benign based on one or more of the following criteria: it is a conservative change, it occurs at a poorly conserved position in the protein, it is predicted to be benign by multiple in silico algorithms, and/or has population frequency not consistent with disease.

Breakthrough Genomics
Classification: Benign. Review status: criteria provided, single submitter. Criteria: ACMG Guidelines, 2015. Collection method: not provided. Allele origin: germline. Inheritance: Autosomal recessive inheritance. Affected: yes.

NM_000540.3(RYR1):c.800+142T>G

Gene: RYR1 (ryanodine receptor 1; plus strand). Cytogenetic location: 19q13.2.
Variant type: single nucleotide variant.
Coding change: c.800+142T>G on transcript NM_000540.3 (MANE Select); 142 bases into the intron after coding-DNA position 800, T replaced by G.
Molecular consequence: intron variant.
Genome position (GRCh38, 1-based): chr19:38,446,910, T>G. VCF-style: chr19-38446910-T-G. GRCh37 (hg19) VCF-style: chr19-38937550-T-G.
Other names: c.800+142T>G (NM_001042723.2).
Identifiers: ClinVar variation 670515 (VCV000670515.2), dbSNP rs73930577, ClinGen allele CA14642184.
Genomic context (GRCh38, chr19:38,446,910, plus strand): 5'-AAGATCTGATAAAGAGACTGAAGGGTCTCGAGGGAAAATCAGAGCAGCCTGAGAGAGAGA[T>G]GAAAATCTCGGCCAGGCGTGGTGACTTCATGCCTGTAATCCCAGCACTTTGGGAGGCTGA-3'